The following is an entry in ClinVar:

NM_004415.4(DSP):c.170+3G>A

Genes: DSP-AS1 (DSP antisense RNA 1; minus strand), DSP (desmoplakin; plus strand). Cytogenetic location: 6p24.3.
Variant type: single nucleotide variant.
Coding change: c.170+3G>A on transcript NM_004415.4 (MANE Select); 3 bases into the intron after coding-DNA position 170, G replaced by A.
Molecular consequence: intron variant.
Genome position (GRCh38, 1-based): chr6:7,542,088, G>A. VCF-style: chr6-7542088-G-A. GRCh37 (hg19) VCF-style: chr6-7542321-G-A.
Other names: c.170+3G>A (NM_001319034.2, NM_001008844.3).
Identifiers: ClinVar variation 927371 (VCV000927371.3), dbSNP rs1758001924, ClinGen allele CA1139659435.

ClinVar aggregate classification (germline): Uncertain significance (1 of 4 stars; one submission).

Conditions:
Cardiomyopathy (CMYO). Also called: Cardiomyopathies. Identifiers: Orphanet 167848, MedGen C0878544, MONDO:0004994, HP:0001638. Inheritance: Various modes of inheritance.

Allele frequency attached by ClinVar (database versions not stated): gnomAD exomes below 0.00001.

Submission:

Color Diagnostics, LLC DBA Color Health
Classification: Uncertain significance for Cardiomyopathy. Last evaluated: 2019-11-15. Review status: criteria provided, single submitter. Criteria: ACMG Guidelines, 2015. Collection method: clinical testing. Allele origin: germline.
Comment: This variant causes a G>A nucleotide substitution at the +3 position of intron 1 of the DSP gene. Splice prediction tools suggest that this variant may impact RNA splicing. To our knowledge, functional studies have not been performed for this variant. This variant has not been reported in individuals affected with cardiovascular disorders in the literature. This variant has not been identified in the general population by the Genome Aggregation Database (gnomAD). The available evidence is insufficient to determine the role of this variant in disease conclusively. Therefore, this variant is classified as a Variant of Uncertain Significance.